The following is an entry in ClinVar:

ClinVar aggregate classification (germline): Uncertain significance (1 of 4 stars; one submission).

Submission:

Dasa
Classification: Uncertain significance. Last evaluated: 2026-07-11. Review status: criteria provided, single submitter. Criteria: DASA Assertion Criteria. Collection method: clinical testing. Allele origin: germline.
Comment: NM_001244008.2(KIF1A):c.1812C>A (p.Asn604Lys) is a missense variant that results in the substitution of asparagine with lysine. This variant is absent from population databases. The currently available literature and clinical evidence are not sufficient to establish a definitive association between this variant and the reported condition. Therefore, this variant is classified as a variant of uncertain significance.

NM_001244008.2(KIF1A):c.1812C>A (p.Asn604Lys)

Gene: KIF1A (kinesin family member 1A; minus strand). Cytogenetic location: 2q37.3.
Variant type: single nucleotide variant.
Coding change: c.1812C>A on transcript NM_001244008.2 (MANE Select); coding-DNA position 1812, C replaced by A.
Protein change: p.Asn604Lys; replaces asparagine 604 with lysine.
Molecular consequence: missense variant.
Genome position (GRCh38, 1-based): chr2:240,763,303, G>T on the plus strand (C>A on the coding strand, the complement: KIF1A is on the minus strand). VCF-style: chr2-240763303-G-T. GRCh37 (hg19) VCF-style: chr2-241702720-G-T.
Other names: c.1785C>A, p.Asn595Lys (NM_001379649.1, NM_001379650.1, NM_001379651.1 and 10 more transcripts); c.1887C>A, p.Asn629Lys (NM_001379634.1, NM_001379635.1, NM_001379646.1 and 2 more transcripts); c.1860C>A, p.Asn620Lys (NM_001379637.1, NM_001379648.1); c.1812C>A, p.Asn604Lys (NM_001379638.1, NM_001320705.2, NM_001330289.2); short protein forms N595K, N604K, N620K, N629K.
Identifiers: ClinVar variation 5020210 (VCV005020210.1).